The following is an entry in ClinVar:

ClinVar aggregate classification (germline): Uncertain significance (1 of 4 stars; one submission).

Conditions:
Dilated cardiomyopathy 1KK (CMD1KK). Identifiers: Orphanet 154, Orphanet 75249, MedGen C3714995, MONDO:0014100, OMIM 615248.

Allele frequency attached by ClinVar (database versions not stated): TOPMed below 0.00001.

Submission:

Labcorp Genetics (formerly Invitae), Labcorp
Classification: Uncertain significance for Dilated cardiomyopathy 1KK. Last evaluated: 2022-08-08. Review status: criteria provided, single submitter. Criteria: Invitae Variant Classification Sherloc (09022015). Collection method: clinical testing. Allele origin: germline.
Comment: In summary, the available evidence is currently insufficient to determine the role of this variant in disease. Therefore, it has been classified as a Variant of Uncertain Significance. Algorithms developed to predict the effect of missense changes on protein structure and function (SIFT, PolyPhen-2, Align-GVGD) all suggest that this variant is likely to be tolerated. This variant has not been reported in the literature in individuals affected with MYPN-related conditions. This variant is not present in population databases (gnomAD no frequency). This sequence change replaces serine, which is neutral and polar, with phenylalanine, which is neutral and non-polar, at codon 960 of the MYPN protein (p.Ser960Phe).

NM_032578.4(MYPN):c.2879C>T (p.Ser960Phe)

Gene: MYPN (myopalladin; plus strand). Cytogenetic location: 10q21.3.
Variant type: single nucleotide variant.
Coding change: c.2879C>T on transcript NM_032578.4 (MANE Select); coding-DNA position 2879, C replaced by T.
Protein change: p.Ser960Phe; replaces serine 960 with phenylalanine.
Molecular consequence: missense variant. On other transcripts: non-coding transcript variant (2).
Genome position (GRCh38, 1-based): chr10:68,189,080, C>T. VCF-style: chr10-68189080-C-T. GRCh37 (hg19) VCF-style: chr10-69948837-C-T.
Other names: c.2879C>T, p.Ser960Phe (NM_001256267.2); c.1997C>T, p.Ser666Phe (NM_001256268.2); short protein forms S666F, S960F.
Identifiers: ClinVar variation 1715672 (VCV001715672.3), dbSNP rs2043468885, ClinGen allele CA376853912.